The following is an entry in ClinVar:

NM_005633.4(SOS1):c.3001A>G (p.Met1001Val)

Gene: SOS1 (SOS Ras/Rac guanine nucleotide exchange factor 1; minus strand). Cytogenetic location: 2p22.1.
Variant type: single nucleotide variant.
Coding change: c.3001A>G on transcript NM_005633.4 (MANE Select); coding-DNA position 3001, A replaced by G.
Protein change: p.Met1001Val; replaces methionine 1001 with valine.
Molecular consequence: missense variant.
Genome position (GRCh38, 1-based): chr2:38,997,002, T>C on the plus strand (A>G on the coding strand, the complement: SOS1 is on the minus strand). VCF-style: chr2-38997002-T-C. GRCh37 (hg19) VCF-style: chr2-39224143-T-C.
Other names: c.2980A>G, p.Met994Val (NM_001382394.1); c.3001A>G, p.Met1001Val (NM_001382395.1); short protein forms M1001V, M994V.
Identifiers: ClinVar variation 2635869 (VCV002635869.4), dbSNP rs1051002841, ClinGen allele CA45647357.
Genomic context (GRCh38, chr2:38,997,002, plus strand): 5'-GGTTTCGTGGTTCTATTTCTAGGGATTTGTTGAAAAGATAATCTGTAAATTCCTTCTCCA[T>C]GCTATTTCCCATCGGATTCAAGTTTTCAAAGAACCTCTAAAATAAATGCAAAGAAAAAAT-3'
Protein context (NP_005624.2, residues 991-1011): FENLNPMGNS[Met1001Val]EKEFTDYLFN

ClinVar aggregate classification (germline): Conflicting classifications of pathogenicity. Review status: criteria provided, conflicting classifications (1 of 4 stars). 3 submissions from 3 submitters: Uncertain significance (1); Likely benign (1). 1 of the submissions does not count toward it. Last evaluated 2025-09-24.

Conditions:
SOS1-related disorder. Also called: SOS1-related condition.
Cardiovascular phenotype. Identifiers: MedGen CN230736.

Allele frequency attached by ClinVar (database versions not stated): gnomAD 0.00001; gnomAD exomes 0.00003; TOPMed 0.00003.

Submissions (3):

Ambry Genetics
Classification: Uncertain significance for Cardiovascular phenotype. Last evaluated: 2025-09-24. Review status: criteria provided, single submitter. Criteria: Ambry Variant Classification Scheme 2023. Collection method: clinical testing. Allele origin: germline.
Comment: The p.M1001V variant (also known as c.3001A>G), located in coding exon 19 of the SOS1 gene, results from an A to G substitution at nucleotide position 3001. The methionine at codon 1001 is replaced by valine, an amino acid with highly similar properties. This amino acid position is conserved. In addition, this alteration is predicted to be tolerated by in silico analysis. Based on the available evidence, the clinical significance of this variant remains unclear.

Blueprint Genetics
Classification: Likely benign. Last evaluated: 2022-06-23. Review status: criteria provided, single submitter. Criteria: ACMG Guidelines, 2015. Collection method: clinical testing. Allele origin: germline.

PreventionGenetics, part of Exact Sciences
Classification: Uncertain significance for SOS1-related condition. Last evaluated: 2024-08-07. Review status: no assertion criteria provided. Collection method: clinical testing. Allele origin: germline. Not counted in ClinVar's aggregate classification.
Comment: The SOS1 c.3001A>G variant is predicted to result in the amino acid substitution p.Met1001Val. To our knowledge, this variant has not been reported in the literature. This variant is reported in 0.00088% of alleles in individuals of European (Non-Finnish) descent in gnomAD. At this time, the clinical significance of this variant is uncertain due to the absence of conclusive functional and genetic evidence.